The following is an entry in ClinVar:

ClinVar aggregate classification (germline): Likely pathogenic. Review status: reviewed by expert panel (3 of 4 stars). 2 submissions from 2 submitters: Likely pathogenic (1). 1 of the submissions does not count toward it. Last evaluated 2026-05-13.

Conditions:
Deficiency of guanidinoacetate methyltransferase (CCDS2). Also called: GAMT DEFICIENCY; Guanidinoacetate Methyltransferase (GAMT) Deficiency; CEREBRAL CREATINE DEFICIENCY SYNDROME 2. Identifiers: Orphanet 382, MedGen C0574080, MONDO:0012999, OMIM 612736.
Cerebral creatine deficiency syndrome. Also called: Creatine deficiency syndromes. Identifiers: Orphanet 79172, MedGen C5244016, MONDO:0000456.

gnomAD v4.1: 1 of 1,612,158 alleles (0.000062%); highest among the groups gnomAD compares: Admixed American, 0.0017%; no homozygotes.

Submissions (2):

ClinGen Cerebral Creatine Deficiency Syndromes Variant Curation Expert Panel, ClinGen
Classification: Likely pathogenic for Deficiency of guanidinoacetate methyltransferase. Last evaluated: 2026-05-13. Review status: reviewed by expert panel. Criteria: ClinGen CCDS ACMG Specifications GAMT V2.0.0. Collection method: curation. Allele origin: germline. Inheritance: Autosomal recessive inheritance.
Comment: The NM_000156.6(GAMT):c.391+5G>C variant in GAMT is an intronic variant affecting a nucleotide within the consensus splice site of intron 3. Two Syrian patients, who appear to be unrelated based on published details, are homozygous for the variant. Both patients have clinical symptoms consistent with GAMT deficiency and both showed clinical improvement on treatment with creatine, ornithine, and sodium benzoate. Biochemical and MRS data are available for only one of the probands. The highest population minor allele frequency in gnomAD v4.1.0. is 0.0000167 (1/59870 alleles) in the Admixed American population, which is lower than the ClinGen CCDS VCEP’s threshold for PM2_Supporting (<0.0004), meeting this criterion (PM2_Supporting). The computational splicing predictor SpliceAI gives a score of 0.87 for donor loss at the donor splice site and score of 0.54 for donor gain two nucleotides downstream from the variant, predicting that the variant disrupts normal splicing (PP3). There is a ClinVar entry for this variant (Variation ID: 3256144). In summary, this variant meets the criteria to be classified as likely pathogenic for GAMT deficiency based on the GAMT-specific ACMG/AMP criteria applied, as specified by the ClinGen Cerebral Creatine Deficiency Syndromes Variant Curation Expert Panel (Specifications Version 2.0.0.): PP4_Strong, PM3, PM2_Supporting, PP3. (Classification approved by the ClinGen Cerebral Creatine Deficiency Syndromes Variant Curation Expert Panel on April 24, 2026)

Labcorp Genetics (formerly Invitae), Labcorp
Classification: Likely pathogenic for Cerebral creatine deficiency syndrome. Last evaluated: 2025-07-21. Review status: criteria provided, single submitter. Criteria: Invitae Variant Classification Sherloc (09022015). Collection method: clinical testing. Allele origin: germline. Not counted in ClinVar's aggregate classification.
Comment: This sequence change falls in intron 3 of the GAMT gene. It does not directly change the encoded amino acid sequence of the GAMT protein. It affects a nucleotide within the consensus splice site. This variant is not present in population databases (gnomAD no frequency). This variant has been observed in individual(s) with clinical features of cerebral creatine deficiency syndrome (PMID: 37228909; internal data). In at least one individual the data is consistent with being in trans (on the opposite chromosome) from a pathogenic variant. ClinVar contains an entry for this variant (Variation ID: 3256144). Variants that disrupt the consensus splice site are a relatively common cause of aberrant splicing (PMID: 17576681, 9536098). Algorithms developed to predict the effect of sequence changes on RNA splicing suggest that this variant may disrupt the consensus splice site. In summary, the currently available evidence indicates that the variant is pathogenic, but additional data are needed to prove that conclusively. Therefore, this variant has been classified as Likely Pathogenic.

Literature cited by the submitters: PubMed 37228909 (cited by Labcorp Genetics (formerly Invitae), Labcorp); PubMed 17576681 (cited by Labcorp Genetics (formerly Invitae), Labcorp); PubMed 9536098 (cited by Labcorp Genetics (formerly Invitae), Labcorp).

NM_000156.6(GAMT):c.391+5G>C

Gene: GAMT (guanidinoacetate N-methyltransferase; minus strand). Cytogenetic location: 19p13.3.
Variant type: single nucleotide variant.
Coding change: c.391+5G>C on transcript NM_000156.6 (MANE Select); 5 bases into the intron after coding-DNA position 391, G replaced by C.
Molecular consequence: intron variant.
Genome position (GRCh38, 1-based): chr19:1,399,519, C>G on the plus strand (G>C on the coding strand, the complement: GAMT is on the minus strand). VCF-style: chr19-1399519-C-G. GRCh37 (hg19) VCF-style: chr19-1399518-C-G.
Other names: NM_138924.3:c.391+5G>C; c.391+5G>C (NM_138924.3).
Identifiers: ClinVar variation 3256144 (VCV003256144.3).
Genomic context (GRCh38, chr19:1,399,519, plus strand): 5'-AGCAAAGGAGGGGCTGCATTGGAGCTGGGGAGGCCCACCCTGTGATACGTCCCCTCACCC[C>G]TCACCATCAAAGTGACCGTCAGGCAGGGTGGGTGCCACATCCTCCCACAGGCCTTTCAAG-3'